The following is an entry in ClinVar:

NM_001173393.3(HAVCR1):c.150C>T (p.Gly50=)

Gene: HAVCR1 (hepatitis A virus cellular receptor 1; minus strand). Cytogenetic location: 5q33.3.
Variant type: single nucleotide variant.
Coding change: c.150C>T on transcript NM_001173393.3 (MANE Select); coding-DNA position 150, C replaced by T.
Protein change: p.Gly50=; no amino-acid change (glycine 50 retained).
Molecular consequence: synonymous variant.
Genome position (GRCh38, 1-based): chr5:157,055,430, G>A on the plus strand (C>T on the coding strand, the complement: HAVCR1 is on the minus strand). VCF-style: chr5-157055430-G-A. GRCh37 (hg19) VCF-style: chr5-156482441-G-A.
Other names: c.150C>T, p.Gly50= (NM_001308156.2, NM_012206.3).
Identifiers: ClinVar variation 788993 (VCV000788993.5), dbSNP rs61734029, ClinGen allele CA3531679.

ClinVar aggregate classification (germline): Benign. Review status: criteria provided, single submitter (1 of 4 stars). 2 submissions from 2 submitters: Benign (1). 1 of the submissions does not count toward it. Last evaluated 2018-08-16.

Conditions:
HAVCR1-related disorder. Also called: HAVCR1-related condition.

Allele frequency attached by ClinVar (database versions not stated): gnomAD exomes 0.00154 and 0.00400; ExAC 0.00473; gnomAD 0.01591 and 0.01705; ESP Exome Variant Server 0.01604; TOPMed 0.01850; 1000 Genomes Project 0.01857; 1000 Genomes Project 30x 0.01968.
gnomAD v4.1: 4,795 of 1,606,620 alleles (0.3%); highest among the groups gnomAD compares: African/African-American, 5.5%; 113 homozygotes.

Submissions (2):

Labcorp Genetics (formerly Invitae), Labcorp
Classification: Benign. Last evaluated: 2018-08-16. Review status: criteria provided, single submitter. Criteria: Invitae Variant Classification Sherloc (09022015). Collection method: clinical testing. Allele origin: germline.

PreventionGenetics, part of Exact Sciences
Classification: Benign for HAVCR1-related condition. Last evaluated: 2019-05-21. Review status: no assertion criteria provided. Collection method: clinical testing. Allele origin: germline. Not counted in ClinVar's aggregate classification.
Comment: This variant is classified as benign based on ACMG/AMP sequence variant interpretation guidelines (Richards et al. 2015 PMID: 25741868, with internal and published modifications).